The following is an entry in ClinVar:

ClinVar aggregate classification (germline): Uncertain significance (1 of 4 stars; one submission).

Conditions:
Hereditary cancer-predisposing syndrome. Also called: Hereditary Cancer Syndrome; Neoplastic Syndromes, Hereditary; Tumor predisposition; Hereditary neoplastic syndrome. Identifiers: Orphanet 140162, MedGen C0027672, MeSH D009386, MONDO:0015356.

Submission:

Ambry Genetics
Classification: Uncertain significance for Hereditary cancer-predisposing syndrome. Last evaluated: 2022-02-20. Review status: criteria provided, single submitter. Criteria: Ambry Variant Classification Scheme 2023. Collection method: clinical testing. Allele origin: germline.
Comment: The p.Q1783H variant (also known as c.5349A>C), located in coding exon 23 of the DICER1 gene, results from an A to C substitution at nucleotide position 5349. The glutamine at codon 1783 is replaced by histidine, an amino acid with highly similar properties. This amino acid position is conserved. In addition, the in silico prediction for this alteration is inconclusive. Since supporting evidence is limited at this time, the clinical significance of this alteration remains unclear.

NM_177438.3(DICER1):c.5349A>C (p.Gln1783His)

Gene: DICER1 (dicer 1, ribonuclease III; minus strand). Cytogenetic location: 14q32.13.
Variant type: single nucleotide variant.
Coding change: c.5349A>C on transcript NM_177438.3 (MANE Select); coding-DNA position 5349, A replaced by C.
Protein change: p.Gln1783His; replaces glutamine 1783 with histidine.
Molecular consequence: missense variant. On other transcripts: non-coding transcript variant (6).
Genome position (GRCh38, 1-based): chr14:95,093,903, T>G on the plus strand (A>C on the coding strand, the complement: DICER1 is on the minus strand). VCF-style: chr14-95093903-T-G. GRCh37 (hg19) VCF-style: chr14-95560240-T-G.
Other names: c.5349A>C, p.Gln1783His (NM_001195573.1, NM_001271282.3, NM_001291628.2 and 9 more transcripts); c.5067A>C, p.Gln1689His (NM_001395686.1); c.4944A>C, p.Gln1648His (NM_001395687.1, NM_001395688.1, NM_001395689.1 and 1 more transcripts); c.4782A>C, p.Gln1594His (NM_001395691.1); c.3666A>C, p.Gln1222His (NM_001395697.1); short protein forms Q1222H, Q1648H, Q1783H, Q1689H, Q1594H.
Identifiers: ClinVar variation 1746963 (VCV001746963.2), dbSNP rs2139811134, ClinGen allele CA390864881.